The following is an entry in ClinVar:

NM_172107.4(KCNQ2):c.515-76C>T

Gene: KCNQ2 (potassium voltage-gated channel subfamily Q member 2; minus strand). Cytogenetic location: 20q13.33.
Variant type: single nucleotide variant.
Coding change: c.515-76C>T on transcript NM_172107.4 (MANE Select); 76 bases into the intron before coding-DNA position 515, C replaced by T.
Molecular consequence: intron variant.
Genome position (GRCh38, 1-based): chr20:63,444,910, G>A on the plus strand (C>T on the coding strand, the complement: KCNQ2 is on the minus strand). VCF-style: chr20-63444910-G-A. GRCh37 (hg19) VCF-style: chr20-62076263-G-A.
Other names: c.515-76C>T (NM_004518.6, NM_172108.5, NM_172106.3 and 1 more transcripts).
Identifiers: ClinVar variation 670903 (VCV000670903.4), dbSNP rs2297386, ClinGen allele CA14855318.

ClinVar aggregate classification (germline): Benign. Review status: criteria provided, multiple submitters, no conflicts (2 of 4 stars). 3 submissions from 3 submitters: Benign (3). Last evaluated 2024-07-31.

Allele frequency attached by ClinVar (database versions not stated): gnomAD 0.08121 and 0.08317; TOPMed 0.09919; 1000 Genomes Project 0.10783; 1000 Genomes Project 30x 0.11368.
gnomAD v4.1: 64,464 of 1,439,556 alleles (4.5%); highest among the groups gnomAD compares: Admixed American, 18%; 2,817 homozygotes.

Submissions (3):

Unidad de Genómica Garrahan, Hospital de Pediatría Garrahan
Classification: Benign. Last evaluated: 2024-07-31. Review status: criteria provided, single submitter. Criteria: ACMG Guidelines, 2015. Collection method: clinical testing. Allele origin: germline. Affected: no. Observed: 22 variant alleles.
Comment: This variant is classified as Benign based on local population frequency. This variant was detected in 24% of patients studied in a panel designed for Epileptic and Developmental Encephalopathy, Progressive Myoclonus Epilepsy and Abnormal Movements and Neurodegeneration with brain iron accumulation. Number of patients: 22. Only high quality variants are reported.

GeneDx
Classification: Benign. Last evaluated: 2018-06-19. Review status: criteria provided, single submitter. Criteria: GeneDx Variant Classification (06012015). Collection method: clinical testing. Allele origin: germline. Affected: yes.
Comment: This variant is considered likely benign or benign based on one or more of the following criteria: it is a conservative change, it occurs at a poorly conserved position in the protein, it is predicted to be benign by multiple in silico algorithms, and/or has population frequency not consistent with disease.

Breakthrough Genomics
Classification: Benign. Review status: criteria provided, single submitter. Criteria: ACMG Guidelines, 2015. Collection method: not provided. Allele origin: germline. Inheritance: Autosomal dominant inheritance. Affected: yes.